The following is an entry in ClinVar:

NM_012418.4(FSCN2):c.42T>G (p.Phe14Leu)

Gene: FSCN2 (fascin actin-bundling protein 2, retinal; plus strand). Cytogenetic location: 17q25.3.
Variant type: single nucleotide variant.
Coding change: c.42T>G on transcript NM_012418.4 (MANE Select); coding-DNA position 42, T replaced by G.
Protein change: p.Phe14Leu; replaces phenylalanine 14 with leucine.
Molecular consequence: missense variant.
Genome position (GRCh38, 1-based): chr17:81,528,573, T>G. VCF-style: chr17-81528573-T-G. GRCh37 (hg19) VCF-style: chr17-79495599-T-G.
Other names: c.42T>G, p.Phe14Leu (NM_001077182.3); short protein forms F14L.
Identifiers: ClinVar variation 1407378 (VCV001407378.8), dbSNP rs1555670507, ClinGen allele CA401469391.
Genomic context (GRCh38, chr17:81,528,573, plus strand): 5'-GGACCCGGCCAGCCTGAAGATGCCGACGAACGGCCTGCACCAGGTGCTGAAGATCCAGTT[T>G]GGCCTCGTCAACGACACTGACCGCTACCTGACAGCTGAGAGCTTCGGCTTCAAGGTCAAT-3'
Protein context (NP_036550.1, residues 4-24): NGLHQVLKIQ[Phe14Leu]GLVNDTDRYL

ClinVar aggregate classification (germline): Uncertain significance (1 of 4 stars; one submission).

Allele frequency attached by ClinVar (database versions not stated): gnomAD exomes below 0.00001; TOPMed below 0.00001; gnomAD 0.00001 and 0.00002.
gnomAD v4.1: 7 of 1,608,046 alleles (0.00044%); highest among the groups gnomAD compares: African/African-American, 0.008%; no homozygotes.

Submission:

Labcorp Genetics (formerly Invitae), Labcorp
Classification: Uncertain significance. Last evaluated: 2021-02-04. Review status: criteria provided, single submitter. Criteria: Invitae Variant Classification Sherloc (09022015). Collection method: clinical testing. Allele origin: germline.
Comment: In summary, the available evidence is currently insufficient to determine the role of this variant in disease. Therefore, it has been classified as a Variant of Uncertain Significance. Algorithms developed to predict the effect of missense changes on protein structure and function are either unavailable or do not agree on the potential impact of this missense change (SIFT: "Deleterious"; PolyPhen-2: "Probably Damaging"; Align-GVGD: "Class C0"). This variant has not been reported in the literature in individuals with FSCN2-related conditions. This variant is not present in population databases (ExAC no frequency). This sequence change replaces phenylalanine with leucine at codon 14 of the FSCN2 protein (p.Phe14Leu). The phenylalanine residue is highly conserved and there is a small physicochemical difference between phenylalanine and leucine.